The following is an entry in ClinVar:

ClinVar aggregate classification (germline): Uncertain significance (1 of 4 stars; one submission).

Conditions:
Werner syndrome (WRN). Identifiers: Orphanet 902, MedGen C0043119, MONDO:0010196, OMIM 277700.

Allele frequency attached by ClinVar (database versions not stated): ExAC 0.00001; gnomAD exomes 0.00001.

Submission:

Labcorp Genetics (formerly Invitae), Labcorp
Classification: Uncertain significance for Werner syndrome. Last evaluated: 2025-06-25. Review status: criteria provided, single submitter. Criteria: Invitae Variant Classification Sherloc (09022015). Collection method: clinical testing. Allele origin: germline.
Comment: This sequence change falls in intron 10 of the WRN gene. It does not directly change the encoded amino acid sequence of the WRN protein. It affects a nucleotide within the consensus splice site. This variant is present in population databases (rs777352508, gnomAD 0.003%). This variant has not been reported in the literature in individuals affected with WRN-related conditions. ClinVar contains an entry for this variant (Variation ID: 1034890). Variants that disrupt the consensus splice site are a relatively common cause of aberrant splicing (PMID: 17576681, 9536098). Algorithms developed to predict the effect of sequence changes on RNA splicing suggest that this variant may disrupt the consensus splice site. In summary, the available evidence is currently insufficient to determine the role of this variant in disease. Therefore, it has been classified as a Variant of Uncertain Significance.

Literature cited by the submitters: PubMed 17576681; PubMed 9536098.

NM_000553.6(WRN):c.1350+5G>A

Gene: WRN (WRN RecQ like helicase; plus strand). Cytogenetic location: 8p12.
Variant type: single nucleotide variant.
Coding change: c.1350+5G>A on transcript NM_000553.6 (MANE Select); 5 bases into the intron after coding-DNA position 1350, G replaced by A.
Molecular consequence: intron variant.
Genome position (GRCh38, 1-based): chr8:31,083,784, G>A. VCF-style: chr8-31083784-G-A. GRCh37 (hg19) VCF-style: chr8-30941300-G-A.
Identifiers: ClinVar variation 1034890 (VCV001034890.5), dbSNP rs777352508, ClinGen allele CA4704316.